The following is an entry in ClinVar:

NM_001367561.1(DOCK7):c.1333C>T (p.Arg445Ter)

Gene: DOCK7 (dedicator of cytokinesis 7; minus strand). Cytogenetic location: 1p31.3.
Variant type: single nucleotide variant.
Coding change: c.1333C>T on transcript NM_001367561.1 (MANE Select); coding-DNA position 1333, C replaced by T.
Protein change: p.Arg445Ter; replaces arginine 445 with a stop codon.
Molecular consequence: nonsense.
Genome position (GRCh38, 1-based): chr1:62,625,351, G>A on the plus strand (C>T on the coding strand, the complement: DOCK7 is on the minus strand). VCF-style: chr1-62625351-G-A. GRCh37 (hg19) VCF-style: chr1-63091022-G-A.
Other names: c.1333C>T, p.Arg445Ter (NM_001271999.2, NM_001272000.2, NM_001272001.2 and 3 more transcripts); short protein forms R445*.
Identifiers: ClinVar variation 801493 (VCV000801493.9), dbSNP rs758111714, ClinGen allele CA886976.

ClinVar aggregate classification (germline): Pathogenic/Likely pathogenic. Review status: criteria provided, multiple submitters, no conflicts (2 of 4 stars). 3 submissions from 3 submitters: Pathogenic (1); Likely pathogenic (2). Last evaluated 2023-04-11.

Conditions:
Developmental and epileptic encephalopathy, 23 (DEE23). Also called: Epileptic encephalopathy, early infantile, 23. Identifiers: Orphanet 411986, MedGen C4014492, MONDO:0014371, OMIM 615859.

Allele frequency attached by ClinVar (database versions not stated): TOPMed below 0.00001; ExAC 0.00001; gnomAD exomes below 0.00001.

Submissions (3):

Genome-Nilou Lab
Classification: Likely pathogenic for Developmental and epileptic encephalopathy, 23. Last evaluated: 2023-04-11. Review status: criteria provided, single submitter. Criteria: ACMG Guidelines, 2015. Collection method: clinical testing. Allele origin: germline. Affected: no.

Labcorp Genetics (formerly Invitae), Labcorp
Classification: Pathogenic for Developmental and epileptic encephalopathy, 23. Last evaluated: 2021-02-24. Review status: criteria provided, single submitter. Criteria: Invitae Variant Classification Sherloc (09022015). Collection method: clinical testing. Allele origin: germline.
Comment: This sequence change creates a premature translational stop signal (p.Arg445*) in the DOCK7 gene. It is expected to result in an absent or disrupted protein product. Loss-of-function variants in DOCK7 are known to be pathogenic (PMID: 24814191). This variant is present in population databases (rs758111714, ExAC 0.001%). This variant has not been reported in the literature in individuals with DOCK7-related conditions. ClinVar contains an entry for this variant (Variation ID: 801493). For these reasons, this variant has been classified as Pathogenic.

Mendelics
Classification: Likely pathogenic for Developmental and epileptic encephalopathy, 23. Last evaluated: 2019-05-28. Review status: criteria provided, single submitter. Criteria: Mendelics Assertion Criteria 2017. Collection method: clinical testing. Allele origin: unknown.

Literature cited by the submitters: PubMed 24814191 (cited by Labcorp Genetics (formerly Invitae), Labcorp).